The following is an entry in ClinVar:

NM_000053.4(ATP7B):c.4287G>A (p.Ser1429=)

Gene: ATP7B (ATPase copper transporting beta; minus strand). Cytogenetic location: 13q14.3.
Variant type: single nucleotide variant.
Coding change: c.4287G>A on transcript NM_000053.4 (MANE Select); coding-DNA position 4287, G replaced by A.
Protein change: p.Ser1429=; no amino-acid change (serine 1429 retained).
Molecular consequence: synonymous variant.
Genome position (GRCh38, 1-based): chr13:51,934,867, C>T on the plus strand (G>A on the coding strand, the complement: ATP7B is on the minus strand). VCF-style: chr13-51934867-C-T. GRCh37 (hg19) VCF-style: chr13-52509003-C-T.
Other names: c.3666G>A, p.Ser1222= (NM_001005918.3); c.3954G>A, p.Ser1318= (NM_001243182.2); c.4053G>A, p.Ser1351= (NM_001330578.2); c.4035G>A, p.Ser1345= (NM_001330579.2).
Identifiers: ClinVar variation 797785 (VCV000797785.14), dbSNP rs747816425, ClinGen allele CA250071538.

ClinVar aggregate classification (germline): Likely benign. Review status: criteria provided, multiple submitters, no conflicts (2 of 4 stars). 4 submissions from 4 submitters: Likely benign (4). Last evaluated 2024-01-15.

Conditions:
Inborn genetic diseases. Identifiers: MedGen C0950123, MeSH D030342.
Wilson disease (WND). Also called: Wilson's disease. Identifiers: Orphanet 905, MedGen C0019202, MONDO:0010200, OMIM 277900. Disease mechanism: loss of function.

Allele frequency attached by ClinVar (database versions not stated): gnomAD exomes below 0.00001 and 0.00001; TOPMed below 0.00001; gnomAD 0.00001.
gnomAD v4.1: 22 of 1,614,070 alleles (0.0014%); highest among the groups gnomAD compares: East Asian, 0.0067%; no homozygotes.

Submissions (4):

Labcorp Genetics (formerly Invitae), Labcorp
Classification: Likely benign for Wilson disease. Last evaluated: 2024-01-15. Review status: criteria provided, single submitter. Criteria: Invitae Variant Classification Sherloc (09022015). Collection method: clinical testing. Allele origin: germline.

All of Us Research Program, National Institutes of Health
Classification: Likely benign for Wilson disease. Last evaluated: 2023-11-20. Review status: criteria provided, single submitter. Criteria: ACMG Guidelines, 2015. Collection method: clinical testing. Allele origin: germline. Inheritance: Autosomal recessive inheritance. Observed: 2 variant alleles, 2 heterozygotes.
Comment: This study involves interpretation of variants in research participants for the purpose of population health screening. Participant phenotype was not available at the time of variant classification. Additional details can be found in publication PMID: 35346344, PMCID: PMC8962531

Ambry Genetics
Classification: Likely benign for Inborn genetic diseases. Last evaluated: 2023-02-05. Review status: criteria provided, single submitter. Criteria: Ambry Variant Classification Scheme 2023. Collection method: clinical testing. Allele origin: germline.

Fulgent Genetics
Classification: Likely benign for Wilson disease. Last evaluated: 2022-04-17. Review status: criteria provided, single submitter. Criteria: ACMG Guidelines, 2015. Collection method: clinical testing. Allele origin: unknown.